The following is an entry in ClinVar:

NM_173628.4(DNAH17):c.6251G>A (p.Arg2084Gln)

Genes: DNAH17 (dynein axonemal heavy chain 17; minus strand), DNAH17-AS1 (DNAH17 antisense RNA 1; plus strand). Cytogenetic location: 17q25.3.
Variant type: single nucleotide variant.
Coding change: c.6251G>A on transcript NM_173628.4 (MANE Select); coding-DNA position 6251, G replaced by A.
Protein change: p.Arg2084Gln; replaces arginine 2084 with glutamine.
Molecular consequence: missense variant.
Genome position (GRCh38, 1-based): chr17:78,494,612, C>T on the plus strand (G>A on the coding strand, the complement: DNAH17 is on the minus strand). VCF-style: chr17-78494612-C-T. GRCh37 (hg19) VCF-style: chr17-76490694-C-T.
Other names: short protein forms R2084Q.
Identifiers: ClinVar variation 3038045 (VCV003038045.2), dbSNP rs148957596, ClinGen allele CA8802865.

ClinVar aggregate classification (germline): Benign (0 of 4 stars; one submission).

Conditions:
DNAH17-related disorder. Also called: DNAH17-related condition.

Allele frequency attached by ClinVar (database versions not stated): ESP Exome Variant Server 0.00016; TOPMed 0.00118; gnomAD exomes 0.00130; gnomAD 0.00147; ExAC 0.00256; 1000 Genomes Project 30x 0.00297; 1000 Genomes Project 0.00339.
gnomAD v4.1: 2,150 of 1,613,764 alleles (0.13%); highest among the groups gnomAD compares: East Asian, 2.3%; 18 homozygotes.

Submission:

PreventionGenetics, part of Exact Sciences
Classification: Benign for DNAH17-related condition. Last evaluated: 2019-03-21. Review status: no assertion criteria provided. Collection method: clinical testing. Allele origin: germline.
Comment: This variant is classified as benign based on ACMG/AMP sequence variant interpretation guidelines (Richards et al. 2015 PMID: 25741868, with internal and published modifications).